The following is an entry in ClinVar:

NM_000760.4(CSF3R):c.2112G>T (p.Lys704Asn)

Gene: CSF3R (colony stimulating factor 3 receptor; minus strand). Cytogenetic location: 1p34.3.
Variant type: single nucleotide variant.
Coding change: c.2112G>T on transcript NM_000760.4 (MANE Select); coding-DNA position 2112, G replaced by T.
Protein change: p.Lys704Asn; replaces lysine 704 with asparagine.
Molecular consequence: missense variant.
Genome position (GRCh38, 1-based): chr1:36,466,756, C>A on the plus strand (G>T on the coding strand, the complement: CSF3R is on the minus strand). VCF-style: chr1-36466756-C-A. GRCh37 (hg19) VCF-style: chr1-36932357-C-A.
Other names: c.2193G>T, p.Lys731Asn (NM_156039.3); c.2112G>T, p.Lys704Asn (NM_172313.3); short protein forms K704N, K731N.
Identifiers: ClinVar variation 2989630 (VCV002989630.3), dbSNP rs771254098, ClinGen allele CA768951.

ClinVar aggregate classification (germline): Uncertain significance (1 of 4 stars; one submission).

Conditions:
Autosomal recessive severe congenital neutropenia due to CSF3R deficiency. Also called: Neutropenia, severe congenital, 7, autosomal recessive. Identifiers: Orphanet 420702, MedGen C4310764, MONDO:0014865, OMIM 617014.

Allele frequency attached by ClinVar (database versions not stated): gnomAD exomes below 0.00001; ExAC 0.00002.
gnomAD v4.1: 5 of 1,614,212 alleles (0.00031%); highest among the groups gnomAD compares: Non-Finnish European, 0.00042%; no homozygotes.

Submission:

Labcorp Genetics (formerly Invitae), Labcorp
Classification: Uncertain significance for Autosomal recessive severe congenital neutropenia due to CSF3R deficiency. Last evaluated: 2023-11-15. Review status: criteria provided, single submitter. Criteria: Invitae Variant Classification Sherloc (09022015). Collection method: clinical testing. Allele origin: germline.
Comment: This sequence change replaces lysine, which is basic and polar, with asparagine, which is neutral and polar, at codon 704 of the CSF3R protein (p.Lys704Asn). This variant is present in population databases (rs771254098, gnomAD 0.003%). This variant has not been reported in the literature in individuals affected with CSF3R-related conditions. Advanced modeling of protein sequence and biophysical properties (such as structural, functional, and spatial information, amino acid conservation, physicochemical variation, residue mobility, and thermodynamic stability) performed at Invitae indicates that this missense variant is not expected to disrupt CSF3R protein function with a negative predictive value of 80%. In summary, the available evidence is currently insufficient to determine the role of this variant in disease. Therefore, it has been classified as a Variant of Uncertain Significance.